The following is an entry in ClinVar:

NM_020822.3(KCNT1):c.3062C>T (p.Thr1021Met)

Gene: KCNT1 (potassium sodium-activated channel subfamily T member 1; plus strand). Cytogenetic location: 9q34.3.
Variant type: single nucleotide variant.
Coding change: c.3062C>T on transcript NM_020822.3 (MANE Select); coding-DNA position 3062, C replaced by T.
Protein change: p.Thr1021Met; replaces threonine 1021 with methionine.
Molecular consequence: missense variant.
Genome position (GRCh38, 1-based): chr9:135,784,795, C>T. VCF-style: chr9-135784795-C-T. GRCh37 (hg19) VCF-style: chr9-138676641-C-T.
Other names: c.2927C>T, p.Thr976Met (NM_001272003.2); short protein forms T1021M, T976M.
Identifiers: ClinVar variation 3763001 (VCV003763001.2).

ClinVar aggregate classification (germline): Uncertain significance (1 of 4 stars; one submission).

Conditions:
Autosomal dominant nocturnal frontal lobe epilepsy 5. Also called: Epilepsy, nocturnal frontal lobe, 5; KCNT1-Related Epilepsy; CILIARY DYSKINESIA, PRIMARY, 28, WITHOUT SITUS INVERSUS; CILIARY DYSKINESIA, PRIMARY, 28, WITH SITUS INVERSUS. Identifiers: Orphanet 98784, MedGen C3554306, MONDO:0014002, OMIM 615005.
Developmental and epileptic encephalopathy, 14 (DEE14). Also called: Early infantile epileptic encephalopathy 14. Identifiers: Orphanet 293181, MedGen C3554195, MONDO:0013989, OMIM 614959.

gnomAD v4.1: 2 of 1,612,778 alleles (0.00012%); highest among the groups gnomAD compares: Non-Finnish European, 0.00017%; no homozygotes.

Submission:

Labcorp Genetics (formerly Invitae), Labcorp
Classification: Uncertain significance for Autosomal dominant nocturnal frontal lobe epilepsy 5; Developmental and epileptic encephalopathy, 14. Last evaluated: 2024-05-06. Review status: criteria provided, single submitter. Criteria: Invitae Variant Classification Sherloc (09022015). Collection method: clinical testing. Allele origin: germline.
Comment: This sequence change replaces threonine, which is neutral and polar, with methionine, which is neutral and non-polar, at codon 1021 of the KCNT1 protein (p.Thr1021Met). This variant is not present in population databases (gnomAD no frequency). This variant has not been reported in the literature in individuals affected with KCNT1-related conditions. Advanced modeling of protein sequence and biophysical properties (such as structural, functional, and spatial information, amino acid conservation, physicochemical variation, residue mobility, and thermodynamic stability) has been performed at Invitae for this missense variant, however the output from this modeling did not meet the statistical confidence thresholds required to predict the impact of this variant on KCNT1 protein function. In summary, the available evidence is currently insufficient to determine the role of this variant in disease. Therefore, it has been classified as a Variant of Uncertain Significance.